The following is an entry in ClinVar:

NM_016247.4(IMPG2):c.728C>A (p.Ala243Glu)

Gene: IMPG2 (interphotoreceptor matrix proteoglycan 2; minus strand). Cytogenetic location: 3q12.3.
Variant type: single nucleotide variant.
Coding change: c.728C>A on transcript NM_016247.4 (MANE Select); coding-DNA position 728, C replaced by A.
Protein change: p.Ala243Glu; replaces alanine 243 with glutamic acid.
Molecular consequence: missense variant.
Genome position (GRCh38, 1-based): chr3:101,273,681, G>T on the plus strand (C>A on the coding strand, the complement: IMPG2 is on the minus strand). VCF-style: chr3-101273681-G-T. GRCh37 (hg19) VCF-style: chr3-100992525-G-T.
Other names: short protein forms A243E.
Identifiers: ClinVar variation 1010134 (VCV001010134.5), dbSNP rs1706811682, ClinGen allele CA353868034.

ClinVar aggregate classification (germline): Uncertain significance. Review status: criteria provided, multiple submitters, no conflicts (2 of 4 stars). 2 submissions from 2 submitters: Uncertain significance (2). Last evaluated 2024-07-05.

Submissions (2):

Blueprint Genetics
Classification: Uncertain significance. Last evaluated: 2024-07-05. Review status: criteria provided, single submitter. Criteria: ACMG Guidelines, 2015. Collection method: clinical testing. Allele origin: germline.

Labcorp Genetics (formerly Invitae), Labcorp
Classification: Uncertain significance. Last evaluated: 2022-07-28. Review status: criteria provided, single submitter. Criteria: Invitae Variant Classification Sherloc (09022015). Collection method: clinical testing. Allele origin: germline.
Comment: This sequence change replaces alanine, which is neutral and non-polar, with glutamic acid, which is acidic and polar, at codon 243 of the IMPG2 protein (p.Ala243Glu). This variant is not present in population databases (gnomAD no frequency). This variant has not been reported in the literature in individuals affected with IMPG2-related conditions. ClinVar contains an entry for this variant (Variation ID: 1010134). Algorithms developed to predict the effect of missense changes on protein structure and function are either unavailable or do not agree on the potential impact of this missense change (SIFT: "Tolerated"; PolyPhen-2: "Possibly Damaging"; Align-GVGD: "Class C15"). In summary, the available evidence is currently insufficient to determine the role of this variant in disease. Therefore, it has been classified as a Variant of Uncertain Significance.